The following is an entry in ClinVar:

ClinVar aggregate classification (germline): Uncertain significance. Review status: criteria provided, multiple submitters, no conflicts (2 of 4 stars). 2 submissions from 2 submitters: Uncertain significance (2). Last evaluated 2025-11-22.

Allele frequency attached by ClinVar (database versions not stated): ExAC 0.00006; gnomAD 0.00007; TOPMed 0.00008.
gnomAD v4.1: 190 of 1,607,112 alleles (0.012%); highest among the groups gnomAD compares: Non-Finnish European, 0.015%; no homozygotes.

Submissions (2):

Labcorp Genetics (formerly Invitae), Labcorp
Classification: Uncertain significance. Last evaluated: 2025-11-22. Review status: criteria provided, single submitter. Criteria: Invitae Variant Classification Sherloc (09022015). Collection method: clinical testing. Allele origin: germline.
Comment: This sequence change replaces histidine, which is basic and polar, with glutamine, which is neutral and polar, at codon 39 of the CEP97 protein (p.His39Gln). This variant is present in population databases (rs201833020, gnomAD 0.01%). This variant has not been reported in the literature in individuals affected with CEP97-related conditions. ClinVar contains an entry for this variant (Variation ID: 2061223). Invitae Evidence Modeling of protein sequence and biophysical properties (such as structural, functional, and spatial information, amino acid conservation, physicochemical variation, residue mobility, and thermodynamic stability) indicates that this missense variant is not expected to disrupt CEP97 protein function with a negative predictive value of 80%. In summary, the available evidence is currently insufficient to determine the role of this variant in disease. Therefore, it has been classified as a Variant of Uncertain Significance.

Ambry Genetics
Classification: Uncertain significance. Last evaluated: 2025-04-14. Review status: criteria provided, single submitter. Criteria: Ambry Variant Classification Scheme 2023. Collection method: clinical testing. Allele origin: germline.

NM_024548.4(CEP97):c.117C>G (p.His39Gln)

Gene: CEP97 (centrosomal protein 97; plus strand). Cytogenetic location: 3q12.3.
Variant type: single nucleotide variant.
Coding change: c.117C>G on transcript NM_024548.4 (MANE Select); coding-DNA position 117, C replaced by G.
Protein change: p.His39Gln; replaces histidine 39 with glutamine.
Molecular consequence: missense variant.
Genome position (GRCh38, 1-based): chr3:101,726,667, C>G. VCF-style: chr3-101726667-C-G. GRCh37 (hg19) VCF-style: chr3-101445511-C-G.
Other names: c.117C>G (NM_024548.2); c.117C>G, p.His39Gln (NM_001303401.2, NM_001410784.1, NM_001410785.1); short protein forms H39Q.
Identifiers: ClinVar variation 2061223 (VCV002061223.7), dbSNP rs201833020, ClinGen allele CA2521802.